The following is an entry in ClinVar:

NM_172107.4(KCNQ2):c.1356C>T (p.Ala452=)

Gene: KCNQ2 (potassium voltage-gated channel subfamily Q member 2; minus strand). Cytogenetic location: 20q13.33.
Variant type: single nucleotide variant.
Coding change: c.1356C>T on transcript NM_172107.4 (MANE Select); coding-DNA position 1356, C replaced by T.
Protein change: p.Ala452=; no amino-acid change (alanine 452 retained).
Molecular consequence: synonymous variant.
Genome position (GRCh38, 1-based): chr20:63,415,072, G>A on the plus strand (C>T on the coding strand, the complement: KCNQ2 is on the minus strand). VCF-style: chr20-63415072-G-A. GRCh37 (hg19) VCF-style: chr20-62046425-G-A.
Other names: c.1302C>T, p.Ala434= (NM_001382235.1, NM_172106.3); c.1272C>T, p.Ala424= (NM_004518.6); c.1266C>T, p.Ala422= (NM_172108.5).
Identifiers: ClinVar variation 2430515 (VCV002430515.1), dbSNP rs2516188706, ClinGen allele CA511339793.

ClinVar aggregate classification (germline): Uncertain significance (1 of 4 stars; one submission).

Submission:

GeneDx
Classification: Uncertain significance. Last evaluated: 2022-08-24. Review status: criteria provided, single submitter. Criteria: GeneDx Variant Classification Process June 2021. Collection method: clinical testing. Allele origin: germline. Affected: yes.
Comment: In silico analysis suggests this variant may impact gene splicing. In the absence of RNA/functional studies, the actual effect of this sequence change is unknown.; Not observed at significant frequency in large population cohorts (gnomAD); Has not been previously published as pathogenic or benign to our knowledge